The following is an entry in ClinVar:

ClinVar aggregate classification (germline): Likely benign (1 of 4 stars; one submission).

Submission:

CeGaT Center for Human Genetics Tuebingen
Classification: Likely benign. Last evaluated: 2022-07-01. Review status: criteria provided, single submitter. Criteria: CeGaT Center For Human Genetics Tuebingen Variant Classification Criteria Version 2. Collection method: clinical testing. Allele origin: germline. Affected: yes. Observed: 1 variant allele.
Comment: PLXNA1: PM2:Supporting, BP4, BP7

NM_032242.4(PLXNA1):c.2515C>T (p.Leu839=)

Gene: PLXNA1 (plexin A1; plus strand). Cytogenetic location: 3q21.3.
Variant type: single nucleotide variant.
Coding change: c.2515C>T on transcript NM_032242.4 (MANE Select); coding-DNA position 2515, C replaced by T.
Protein change: p.Leu839=; no amino-acid change (leucine 839 retained).
Molecular consequence: synonymous variant.
Genome position (GRCh38, 1-based): chr3:127,014,286, C>T. VCF-style: chr3-127014286-C-T. GRCh37 (hg19) VCF-style: chr3-126733129-C-T.
Identifiers: ClinVar variation 2654100 (VCV002654100.24), dbSNP rs2472538665, ClinGen allele CA435759897.